The following is an entry in ClinVar:

ClinVar aggregate classification (germline): Uncertain significance (1 of 4 stars; one submission).

Conditions:
Mitochondrial complex II deficiency, nuclear type 1. Also called: SUCCINATE CoQ REDUCTASE DEFICIENCY. Identifiers: Orphanet 3208, MedGen C5700310, MONDO:0100294, OMIM 252011.
Pheochromocytoma/paraganglioma syndrome 5. Also called: Paragangliomas 5; SDHA-Related Hereditary Paraganglioma-Pheochromocytoma Syndrome. Identifiers: Orphanet 29072, MedGen C3279992, MONDO:0013602, OMIM 614165.

Submission:

Labcorp Genetics (formerly Invitae), Labcorp
Classification: Uncertain significance for Pheochromocytoma/paraganglioma syndrome 5; Mitochondrial complex II deficiency, nuclear type 1. Last evaluated: 2024-06-14. Review status: criteria provided, single submitter. Criteria: Invitae Variant Classification Sherloc (09022015). Collection method: clinical testing. Allele origin: germline.
Comment: This sequence change replaces aspartic acid, which is acidic and polar, with asparagine, which is neutral and polar, at codon 545 of the SDHA protein (p.Asp545Asn). This variant is not present in population databases (gnomAD no frequency). This variant has not been reported in the literature in individuals affected with SDHA-related conditions. ClinVar contains an entry for this variant (Variation ID: 1011104). Advanced modeling of protein sequence and biophysical properties (such as structural, functional, and spatial information, amino acid conservation, physicochemical variation, residue mobility, and thermodynamic stability) performed at Invitae indicates that this missense variant is not expected to disrupt SDHA protein function with a negative predictive value of 95%. In summary, the available evidence is currently insufficient to determine the role of this variant in disease. Therefore, it has been classified as a Variant of Uncertain Significance.

NM_004168.4(SDHA):c.1633G>A (p.Asp545Asn)

Gene: SDHA (succinate dehydrogenase complex flavoprotein subunit A; plus strand). Cytogenetic location: 5p15.33.
Variant type: single nucleotide variant.
Coding change: c.1633G>A on transcript NM_004168.4 (MANE Select); coding-DNA position 1633, G replaced by A.
Protein change: p.Asp545Asn; replaces aspartic acid 545 with asparagine.
Molecular consequence: missense variant. On other transcripts: intron variant (1).
Genome position (GRCh38, 1-based): chr5:251,073, G>A. VCF-style: chr5-251073-G-A. GRCh37 (hg19) VCF-style: chr5-251188-G-A.
Other names: c.1489G>A, p.Asp497Asn (NM_001294332.2); c.1552-3320G>A (NM_001330758.2); short protein forms D497N, D545N.
Identifiers: ClinVar variation 1011104 (VCV001011104.9), dbSNP rs1736792773, ClinGen allele CA358998734.